The following is an entry in ClinVar:

ClinVar aggregate classification (germline): Uncertain significance (1 of 4 stars; one submission).

Submission:

CeGaT Center for Human Genetics Tuebingen
Classification: Uncertain significance. Last evaluated: 2026-08-01. Review status: criteria provided, single submitter. Criteria: CeGaT Center For Human Genetics Tuebingen Variant Classification Criteria Version 2. Collection method: clinical testing. Allele origin: germline. Affected: yes. Observed: 1 variant allele.
Comment: KCNC3: PM2, PP3

NM_004977.3(KCNC3):c.1562C>T (p.Ala521Val)

Gene: KCNC3 (potassium voltage-gated channel subfamily C member 3; minus strand). Cytogenetic location: 19q13.33.
Variant type: single nucleotide variant.
Coding change: c.1562C>T on transcript NM_004977.3 (MANE Select); coding-DNA position 1562, C replaced by T.
Protein change: p.Ala521Val; replaces alanine 521 with valine.
Molecular consequence: missense variant.
Genome position (GRCh38, 1-based): chr19:50,323,391, G>A on the plus strand (C>T on the coding strand, the complement: KCNC3 is on the minus strand). VCF-style: chr19-50323391-G-A. GRCh37 (hg19) VCF-style: chr19-50826648-G-A.
Other names: c.1334C>T, p.Ala445Val (NM_001372305.1); short protein forms A445V, A521V.
Identifiers: ClinVar variation 5039773 (VCV005039773.1).